The following is an entry in ClinVar:

ClinVar aggregate classification (germline): Uncertain significance. Review status: criteria provided, multiple submitters, no conflicts (2 of 4 stars). 2 submissions from 2 submitters: Uncertain significance (2). Last evaluated 2022-08-20.

Allele frequency attached by ClinVar (database versions not stated): gnomAD 0.00001; TOPMed 0.00001.
gnomAD v4.1: 1 of 1,614,046 alleles (0.000062%); highest among the groups gnomAD compares: African/African-American, 0.0013%; no homozygotes.

Submissions (2):

Labcorp Genetics (formerly Invitae), Labcorp
Classification: Uncertain significance. Last evaluated: 2022-08-20. Review status: criteria provided, single submitter. Criteria: Invitae Variant Classification Sherloc (09022015). Collection method: clinical testing. Allele origin: germline.
Comment: This sequence change replaces proline, which is neutral and non-polar, with threonine, which is neutral and polar, at codon 359 of the FAM161A protein (p.Pro359Thr). This variant is present in population databases (no rsID available, gnomAD 0.01%). This variant has not been reported in the literature in individuals affected with FAM161A-related conditions. Algorithms developed to predict the effect of missense changes on protein structure and function are either unavailable or do not agree on the potential impact of this missense change (SIFT: "Deleterious"; PolyPhen-2: "Probably Damaging"; Align-GVGD: "Class C0"). In summary, the available evidence is currently insufficient to determine the role of this variant in disease. Therefore, it has been classified as a Variant of Uncertain Significance.

Blueprint Genetics
Classification: Uncertain significance. Last evaluated: 2018-04-27. Review status: criteria provided, single submitter. Criteria: ACMG Guidelines, 2015. Collection method: clinical testing. Allele origin: germline.

NM_001201543.2(FAM161A):c.1075C>A (p.Pro359Thr)

Gene: FAM161A (FAM161 centrosomal protein A; minus strand). Cytogenetic location: 2p15.
Variant type: single nucleotide variant.
Coding change: c.1075C>A on transcript NM_001201543.2 (MANE Select); coding-DNA position 1075, C replaced by A.
Protein change: p.Pro359Thr; replaces proline 359 with threonine.
Molecular consequence: missense variant. On other transcripts: non-coding transcript variant (1).
Genome position (GRCh38, 1-based): chr2:61,839,929, G>T on the plus strand (C>A on the coding strand, the complement: FAM161A is on the minus strand). VCF-style: chr2-61839929-G-T. GRCh37 (hg19) VCF-style: chr2-62067064-G-T.
Other names: c.1075C>A, p.Pro359Thr (NM_032180.3); short protein forms P359T.
Identifiers: ClinVar variation 1956658 (VCV001956658.3), dbSNP rs1168954164, ClinGen allele CA346987487.